The following is an entry in ClinVar:

ClinVar aggregate classification (germline): Uncertain significance (1 of 4 stars; one submission).

Conditions:
Inborn genetic diseases. Identifiers: MedGen C0950123, MeSH D030342.

gnomAD v4.1: 4 of 1,614,098 alleles (0.00025%); highest among the groups gnomAD compares: Non-Finnish European, 0.00025%; no homozygotes.

Submission:

Ambry Genetics
Classification: Uncertain significance for Inborn genetic diseases. Last evaluated: 2026-08-23. Review status: criteria provided, single submitter. Criteria: Ambry Variant Classification Scheme 2023. Collection method: clinical testing. Allele origin: germline.
Comment: The p.V137L variant (also known as c.409G>C), located in coding exon 4 of the RTEL1 gene, results from a G to C substitution at nucleotide position 409. The valine at codon 137 is replaced by leucine, an amino acid with highly similar properties. This amino acid position is conserved. In addition, the in silico prediction for this alteration is inconclusive. Based on the available evidence, the clinical significance of this variant remains unclear.

NM_001283009.2(RTEL1):c.409G>C (p.Val137Leu)

Genes: RTEL1 (regulator of telomere elongation helicase 1; plus strand), RTEL1-TNFRSF6B (RTEL1-TNFRSF6B readthrough (NMD candidate); plus strand). Cytogenetic location: 20q13.33.
Variant type: single nucleotide variant.
Coding change: c.409G>C on transcript NM_001283009.2 (MANE Select); coding-DNA position 409, G replaced by C.
Protein change: p.Val137Leu; replaces valine 137 with leucine.
Molecular consequence: missense variant. On other transcripts: non-coding transcript variant (1), 5 prime UTR variant (1).
Genome position (GRCh38, 1-based): chr20:63,662,559, G>C. VCF-style: chr20-63662559-G-C. GRCh37 (hg19) VCF-style: chr20-62293912-G-C.
Other names: c.-261G>C (NM_001283010.1); c.409G>C, p.Val137Leu (NM_016434.4); c.481G>C, p.Val161Leu (NM_032957.5); short protein forms V137L, V161L.
Identifiers: ClinVar variation 5028519 (VCV005028519.1).
Genomic context (GRCh38, chr20:63,662,559, plus strand): 5'-GTGTTGGAGACAGCTCCTCCTCGACCCACGGTGCTCTCTCCCACCAGGCCTAAGGTGTGT[G>C]TGCTGGGCTCCCGGGAGCAGCTGTGCATCCATCCTGAGGTGAAGAAACAAGAGAGTAACC-3'
Protein context (NP_001269938.1, residues 127-147): RNTSYRPKVC[Val137Leu]LGSREQLCIH